The following is an entry in ClinVar:

ClinVar aggregate classification (germline): Likely benign (1 of 4 stars; one submission).

Allele frequency attached by ClinVar (database versions not stated): gnomAD 0.00001.

Submission:

GeneDx
Classification: Likely benign. Last evaluated: 2021-04-13. Review status: criteria provided, single submitter. Criteria: GeneDx Variant Classification Process June 2021. Collection method: clinical testing. Allele origin: germline. Affected: yes.
Comment: Has not been previously published as pathogenic or benign to our knowledge; Adequate data is not available in large population cohorts to assess the frequency of this variant in publicly available databases; however, this variant has not been detected in presumably healthy individuals tested at GeneDx.; In silico analysis, which includes protein predictors and evolutionary conservation, supports that this variant does not alter protein structure/function; In silico analysis, which includes splice predictors and evolutionary conservation, suggests this variant may impact gene splicing. In the absence of RNA/functional studies, the actual effect of this sequence change is unknown.

NM_001134407.3(GRIN2A):c.502C>T (p.His168Tyr)

Gene: GRIN2A (glutamate ionotropic receptor NMDA type subunit 2A; minus strand). Cytogenetic location: 16p13.2.
Variant type: single nucleotide variant.
Coding change: c.502C>T on transcript NM_001134407.3 (MANE Select); coding-DNA position 502, C replaced by T.
Protein change: p.His168Tyr; replaces histidine 168 with tyrosine.
Molecular consequence: missense variant.
Genome position (GRCh38, 1-based): chr16:9,938,464, G>A on the plus strand (C>T on the coding strand, the complement: GRIN2A is on the minus strand). VCF-style: chr16-9938464-G-A. GRCh37 (hg19) VCF-style: chr16-10032321-G-A.
Other names: c.502C>T, p.His168Tyr (NM_000833.5, NM_001134408.2); short protein forms H168Y.
Identifiers: ClinVar variation 1201416 (VCV001201416.3), dbSNP rs1266794502, ClinGen allele CA394799251.